The following is an entry in ClinVar:

NM_020810.3(TRMT5):c.627A>C (p.Leu209=)

Gene: TRMT5 (tRNA methyltransferase 5; minus strand). Cytogenetic location: 14q23.1.
Variant type: single nucleotide variant.
Coding change: c.627A>C on transcript NM_020810.3 (MANE Select); coding-DNA position 627, A replaced by C.
Protein change: p.Leu209=; no amino-acid change (leucine 209 retained).
Molecular consequence: synonymous variant.
Genome position (GRCh38, 1-based): chr14:60,979,271, T>G on the plus strand (A>C on the coding strand, the complement: TRMT5 is on the minus strand). VCF-style: chr14-60979271-T-G. GRCh37 (hg19) VCF-style: chr14-61445989-T-G.
Other names: c.711A>C, p.Leu237= (NM_001350253.1); c.708A>C, p.Leu236= (NM_001350254.1).
Identifiers: ClinVar variation 1550248 (VCV001550248.12), dbSNP rs183213314, ClinGen allele CA7213888.

ClinVar aggregate classification (germline): Likely benign. Review status: criteria provided, multiple submitters, no conflicts (2 of 4 stars). 2 submissions from 2 submitters: Likely benign (2). Last evaluated 2026-03-01.

Allele frequency attached by ClinVar (database versions not stated): ExAC 0.00013; gnomAD exomes 0.00014 and 0.00032; TOPMed 0.00022; gnomAD 0.00024; ESP Exome Variant Server 0.00038.
gnomAD v4.1: 495 of 1,613,656 alleles (0.031%); highest among the groups gnomAD compares: Non-Finnish European, 0.039%; no homozygotes.

Submissions (2):

CeGaT Center for Human Genetics Tuebingen
Classification: Likely benign. Last evaluated: 2026-03-01. Review status: criteria provided, single submitter. Criteria: CeGaT Center For Human Genetics Tuebingen Variant Classification Criteria Version 2. Collection method: clinical testing. Allele origin: germline. Affected: yes. Observed: 1 variant allele.
Comment: TRMT5: BP4, BP7

Labcorp Genetics (formerly Invitae), Labcorp
Classification: Likely benign. Last evaluated: 2025-10-31. Review status: criteria provided, single submitter. Criteria: Invitae Variant Classification Sherloc (09022015). Collection method: clinical testing. Allele origin: germline.